The following is an entry in ClinVar:

NM_002184.4(IL6ST):c.659-9_659-6del

Gene: IL6ST (interleukin 6 cytokine family signal transducer; minus strand). Cytogenetic location: 5q11.2.
Variant type: Deletion.
Coding change: c.659-9_659-6del on transcript NM_002184.4 (MANE Select); 9 bases into the intron before coding-DNA position 659 through 6 bases into the intron before coding-DNA position 659, 4 bases deleted (ATTT; older notation c.659-9_659-6delATTT).
Molecular consequence: intron variant.
Genome position (GRCh38, 1-based): chr5:55,963,512-55,963,515, AAAT deleted on the plus strand (ATTT on the coding strand, the reverse complement: IL6ST is on the minus strand); deleting any 4 consecutive bases within chr5:55,963,512-55,963,518 gives the same sequence; the c. name uses the placement nearest the transcript's 3' end. VCF-style (leftmost placement, unchanged base first): chr5-55963511-AAAAT-A. GRCh37 (hg19) VCF-style: chr5-55259339-AAAAT-A.
Other names: c.449-9_449-6del (NM_001364276.2); c.-255-9_-255-6del (NM_001364279.2, NM_001364277.2); c.-245-9_-245-6del (NM_001364278.2); c.659-9_659-6del (NM_175767.3, NM_001190981.2, NM_001364275.2).
Identifiers: ClinVar variation 3698011 (VCV003698011.2).

ClinVar aggregate classification (germline): Uncertain significance (1 of 4 stars; one submission).

Submission:

Labcorp Genetics (formerly Invitae), Labcorp
Classification: Uncertain significance. Last evaluated: 2024-02-16. Review status: criteria provided, single submitter. Criteria: Invitae Variant Classification Sherloc (09022015). Collection method: clinical testing. Allele origin: germline.
Comment: This sequence change falls in intron 6 of the IL6ST gene. It does not directly change the encoded amino acid sequence of the IL6ST protein. This variant is present in population databases (no rsID available, gnomAD 0.007%). This variant has not been reported in the literature in individuals affected with IL6ST-related conditions. Algorithms developed to predict the effect of sequence changes on RNA splicing suggest that this variant may disrupt the consensus splice site. In summary, the available evidence is currently insufficient to determine the role of this variant in disease. Therefore, it has been classified as a Variant of Uncertain Significance.